The following is an entry in ClinVar:

NM_005263.5(GFI1):c.283C>G (p.Pro95Ala)

Gene: GFI1 (growth factor independent 1 transcriptional repressor; minus strand). Cytogenetic location: 1p22.1.
Variant type: single nucleotide variant.
Coding change: c.283C>G on transcript NM_005263.5 (MANE Select); coding-DNA position 283, C replaced by G.
Protein change: p.Pro95Ala; replaces proline 95 with alanine.
Molecular consequence: missense variant.
Genome position (GRCh38, 1-based): chr1:92,482,879, G>C on the plus strand (C>G on the coding strand, the complement: GFI1 is on the minus strand). VCF-style: chr1-92482879-G-C. GRCh37 (hg19) VCF-style: chr1-92948436-G-C.
Other names: c.283C>G, p.Pro95Ala (NM_001127215.3, NM_001127216.3); short protein forms P95A.
Identifiers: ClinVar variation 4029365 (VCV004029365.1).

ClinVar aggregate classification (germline): Uncertain significance (1 of 4 stars; one submission).

Submission:

Ambry Genetics
Classification: Uncertain significance. Last evaluated: 2025-03-20. Review status: criteria provided, single submitter. Criteria: Ambry Variant Classification Scheme 2023. Collection method: clinical testing. Allele origin: germline.
Comment: The p.P95A variant (also known as c.283C>G), located in coding exon 2 of the GFI1 gene, results from a C to G substitution at nucleotide position 283. The proline at codon 95 is replaced by alanine, an amino acid with highly similar properties. This amino acid position is conserved. In addition, this alteration is predicted to be tolerated by in silico analysis. Based on the available evidence, the clinical significance of this variant remains unclear.